The following is an entry in ClinVar:

NM_000293.3(PHKB):c.2427+1006A>G

Gene: PHKB (phosphorylase kinase regulatory subunit beta; plus strand). Cytogenetic location: 16q12.1.
Variant type: single nucleotide variant.
Coding change: c.2427+1006A>G on transcript NM_000293.3 (MANE Select); 1006 bases into the intron after coding-DNA position 2427, A replaced by G.
Molecular consequence: intron variant. On other transcripts: synonymous variant (2).
Genome position (GRCh38, 1-based): chr16:47,665,981, A>G. VCF-style: chr16-47665981-A-G. GRCh37 (hg19) VCF-style: chr16-47699892-A-G.
Other names: c.2355A>G, p.Val785= (NM_001031835.3); c.2376A>G, p.Val792= (NM_001363837.1).
Identifiers: ClinVar variation 3029539 (VCV003029539.2), dbSNP rs1050299, ClinGen allele CA2740093315.

ClinVar aggregate classification (germline): Likely benign (0 of 4 stars; one submission).

Conditions:
PHKB-related disorder. Also called: PHKB-related condition.

Submission:

PreventionGenetics, part of Exact Sciences
Classification: Likely benign for PHKB-related condition. Last evaluated: 2021-10-26. Review status: no assertion criteria provided. Collection method: clinical testing. Allele origin: germline.
Comment: This variant is classified as likely benign based on ACMG/AMP sequence variant interpretation guidelines (Richards et al. 2015 PMID: 25741868, with internal and published modifications).